The following is an entry in ClinVar:

ClinVar aggregate classification (germline): Pathogenic/Likely pathogenic. Review status: criteria provided, multiple submitters, no conflicts (2 of 4 stars). 4 submissions from 4 submitters: Pathogenic (2); Likely pathogenic (2). Last evaluated 2026-02-01.

Conditions:
CYP11B2-related disorders.
Corticosterone methyl oxidase type II deficiency.
Corticosterone 18-monooxygenase deficiency. Also called: ALDOSTERONE DEFICIENCY DUE TO DEFECT IN STEROID 18-HYDROXYLASE; ALDOSTERONE DEFICIENCY I; CMO I DEFICIENCY; STEROID 18-HYDROXYLASE DEFICIENCY; 18 Hydroxylase deficiency; Aldosterone deficiency due to defect in 18 hydroxylase. Identifiers: Orphanet 427, MedGen C0268293, MONDO:0008751, OMIM 203400. Disease mechanism: loss of function.
Corticosterone methyloxidase type 2 deficiency. Also called: 18-OXIDASE DEFICIENCY; ALDOSTERONE DEFICIENCY DUE TO DEFICIENCY OF STEROID 18-OXIDASE; ALDOSTERONE DEFICIENCY II; CMO II DEFICIENCY; STEROID 18-OXIDASE DEFICIENCY. Identifiers: Orphanet 427, MedGen C3463917, MONDO:0012524, OMIM 610600. Disease mechanism: loss of function.

Allele frequency attached by ClinVar (database versions not stated): gnomAD exomes 0.00007 and 0.00008; TOPMed 0.00008; ExAC 0.00006; gnomAD 0.00011.
gnomAD v4.1: 141 of 1,613,638 alleles (0.0087%); highest among the groups gnomAD compares: Admixed American, 0.02%; no homozygotes.

Submissions (4):

Labcorp Genetics (formerly Invitae), Labcorp
Classification: Pathogenic. Last evaluated: 2026-02-01. Review status: criteria provided, single submitter. Criteria: Invitae Variant Classification Sherloc (09022015). Collection method: clinical testing. Allele origin: germline.
Comment: This sequence change replaces glutamic acid, which is acidic and polar, with aspartic acid, which is acidic and polar, at codon 198 of the CYP11B2 protein (p.Glu198Asp). This variant is present in population databases (rs104894072, gnomAD 0.01%). This missense change has been observed in individual(s) with aldosterone synthase deficiency (PMID: 9814506, 10965212, 22465514, 30864636). In at least one individual the data is consistent with being in trans (on the opposite chromosome) from a pathogenic variant. ClinVar contains an entry for this variant (Variation ID: 242702). Invitae Evidence Modeling of protein sequence and biophysical properties (such as structural, functional, and spatial information, amino acid conservation, physicochemical variation, residue mobility, and thermodynamic stability) has been performed for this missense variant. However, the output from this modeling did not meet the statistical confidence thresholds required to predict the impact of this variant on CYP11B2 protein function. Experimental studies have shown that this missense change affects CYP11B2 function (PMID: 9814506, 21237269). Algorithms developed to predict the effect of sequence changes on RNA splicing suggest that this variant may disrupt the consensus splice site. For these reasons, this variant has been classified as Pathogenic.

Natera, Inc.
Classification: Likely pathogenic for Corticosterone methyl oxidase type II deficiency. Last evaluated: 2025-08-04. Review status: criteria provided, single submitter. Criteria: Natera Variant Classification Schema (03/2026). Collection method: clinical testing. Allele origin: germline.
Comment: The c.594A>C variant in CYP11B2 is a missense variant predicted to cause substitution of glutamic acid to aspartic acid at amino acid 198. This variant is rare in the general population with a frequency below the threshold expected for the associated phenotype(s). This variant has been observed in one or more individuals affected with the associated recessive disease, as either homozygous or compound heterozygous with a second variant (PMID: 9814506, 22465514, 30864636, 33098647). This variant has been observed to segregate in affected family members (PMID: 9814506). Functional studies show that this variant may disrupt protein function (PMID: 9814506). Computational prediction algorithms indicate this variant is likely to affect gene or protein function. Given the available evidence, this variant is classified as Likely Pathogenic.

Blueprint Genetics
Classification: Pathogenic for CYP11B2-related disorders. Last evaluated: 2023-07-07. Review status: criteria provided, single submitter. Criteria: ACMG Guidelines, 2015. Collection method: clinical testing. Allele origin: germline. Affected: yes. Observed: 4 variant alleles.

Fulgent Genetics
Classification: Likely pathogenic for Corticosterone 18-monooxygenase deficiency; Corticosterone methyloxidase type 2 deficiency. Last evaluated: 2021-06-30. Review status: criteria provided, single submitter. Criteria: ACMG Guidelines, 2015. Collection method: clinical testing. Allele origin: unknown.
Comment: This variant has been detected in individual(s) who were sent for testing of Renasight - kidney gene panel.

Literature cited by the submitters: PubMed 9814506 (cited by Labcorp Genetics (formerly Invitae), Labcorp and Natera, Inc.); PubMed 10965212 (cited by Labcorp Genetics (formerly Invitae), Labcorp); PubMed 22465514 (cited by Labcorp Genetics (formerly Invitae), Labcorp and Natera, Inc.); PubMed 30864636 (cited by Labcorp Genetics (formerly Invitae), Labcorp and Natera, Inc.); PubMed 21237269 (cited by Labcorp Genetics (formerly Invitae), Labcorp); PubMed 33098647 (cited by Natera, Inc.).

NM_000498.3(CYP11B2):c.594A>C (p.Glu198Asp)

Genes: CYP11B2 (cytochrome P450 family 11 subfamily B member 2; minus strand), LOC106799834 (CYP11B2 recombination region; plus strand). Cytogenetic location: 8q24.3.
Variant type: single nucleotide variant.
Coding change: c.594A>C on transcript NM_000498.3 (MANE Select); coding-DNA position 594, A replaced by C.
Protein change: p.Glu198Asp; replaces glutamic acid 198 with aspartic acid.
Molecular consequence: missense variant.
Genome position (GRCh38, 1-based): chr8:142,915,047, T>G on the plus strand (A>C on the coding strand, the complement: CYP11B2 is on the minus strand). VCF-style: chr8-142915047-T-G. GRCh37 (hg19) VCF-style: chr8-143996463-T-G.
Other names: short protein forms E198D.
Identifiers: ClinVar variation 242702 (VCV000242702.16), dbSNP rs104894072, ClinGen allele CA038911.